The following is an entry in ClinVar:

ClinVar aggregate classification (germline): Uncertain significance (1 of 4 stars; one submission).

Allele frequency attached by ClinVar (database versions not stated): TOPMed 0.00003; ExAC 0.00004; gnomAD 0.00005; gnomAD exomes 0.00005; 1000 Genomes Project 30x 0.00016; 1000 Genomes Project 0.00020.
gnomAD v4.1: 86 of 1,614,046 alleles (0.0053%); highest among the groups gnomAD compares: Middle Eastern, 0.016%; no homozygotes.

Submission:

Labcorp Genetics (formerly Invitae), Labcorp
Classification: Uncertain significance. Last evaluated: 2023-04-24. Review status: criteria provided, single submitter. Criteria: Invitae Variant Classification Sherloc (09022015). Collection method: clinical testing. Allele origin: germline.
Comment: In summary, the available evidence is currently insufficient to determine the role of this variant in disease. Therefore, it has been classified as a Variant of Uncertain Significance. An algorithm developed to predict the effect of missense changes on protein structure and function (PolyPhen-2) suggests that this variant is likely to be disruptive. ClinVar contains an entry for this variant (Variation ID: 2190398). This variant has not been reported in the literature in individuals affected with JAM3-related conditions. This variant is present in population databases (rs550482165, gnomAD 0.03%). This sequence change replaces arginine, which is basic and polar, with histidine, which is basic and polar, at codon 295 of the JAM3 protein (p.Arg295His).

NM_032801.5(JAM3):c.884G>A (p.Arg295His)

Gene: JAM3 (junctional adhesion molecule 3; plus strand). Cytogenetic location: 11q25.
Variant type: single nucleotide variant.
Coding change: c.884G>A on transcript NM_032801.5 (MANE Select); coding-DNA position 884, G replaced by A.
Protein change: p.Arg295His; replaces arginine 295 with histidine.
Molecular consequence: missense variant.
Genome position (GRCh38, 1-based): chr11:134,148,805, G>A. VCF-style: chr11-134148805-G-A. GRCh37 (hg19) VCF-style: chr11-134018700-G-A.
Other names: c.731G>A, p.Arg244His (NM_001205329.2); short protein forms R244H, R295H.
Identifiers: ClinVar variation 2190398 (VCV002190398.3), dbSNP rs550482165, ClinGen allele CA6370252.